The following is an entry in ClinVar:

NM_198129.4(LAMA3):c.8420T>G (p.Leu2807Ter)

Gene: LAMA3 (laminin subunit alpha 3; plus strand). Cytogenetic location: 18q11.2.
Variant type: single nucleotide variant.
Coding change: c.8420T>G on transcript NM_198129.4 (MANE Select); coding-DNA position 8420, T replaced by G.
Protein change: p.Leu2807Ter; replaces leucine 2807 with a stop codon.
Molecular consequence: nonsense.
Genome position (GRCh38, 1-based): chr18:23,928,749, T>G. VCF-style: chr18-23928749-T-G. GRCh37 (hg19) VCF-style: chr18-21508713-T-G.
Other names: c.3593T>G, p.Leu1198Ter (NM_000227.6); c.8252T>G, p.Leu2751Ter (NM_001127717.4); c.3425T>G, p.Leu1142Ter (NM_001127718.4); short protein forms L2751*, L1142*, L2807*, L1198*.
Identifiers: ClinVar variation 2820486 (VCV002820486.4), dbSNP rs2511547994, ClinGen allele CA402064235.
Genomic context (GRCh38, chr18:23,928,749, plus strand): 5'-CTACTGACCACCTCCAGGCCTCATTTGGATTTCAGACCTTTCAACCCAGTGGCATATTAT[T>G]AGATCATCAGACATGGGTATGCAGTAGTGCATTAATATCAAACAAGATTTAAACCTGACT-3'

ClinVar aggregate classification (germline): Pathogenic/Likely pathogenic. Review status: criteria provided, multiple submitters, no conflicts (2 of 4 stars). 2 submissions from 2 submitters: Pathogenic (1); Likely pathogenic (1). Last evaluated 2024-01-29.

Conditions:
Epidermolysis bullosa, junctional 2A, intermediate. Also called: EPIDERMOLYSIS BULLOSA, JUNCTIONAL 2A, GENERALIZED INTERMEDIATE; EPIDERMOLYSIS BULLOSA, JUNCTIONAL 2A, NON-HERLITZ TYPE. Identifiers: MedGen C5676936, MONDO:0030746, OMIM 619783.
Epidermolysis bullosa, junctional 2B, severe. Also called: EPIDERMOLYSIS BULLOSA, JUNCTIONAL 2B, GENERALIZED SEVERE; EPIDERMOLYSIS BULLOSA, JUNCTIONAL 2B, HERLITZ TYPE. Identifiers: MedGen C5676937, MONDO:0030747, OMIM 619784.
Laryngo-onycho-cutaneous syndrome (JEB2C). Also called: EPIDERMOLYSIS BULLOSA, JUNCTIONAL 2C, LARYNGOONYCHOCUTANEOUS; LOGIC SYNDROME; SHABBIR SYNDROME. Identifiers: Orphanet 2407, MedGen C1328355, MONDO:0009513, OMIM 245660.

Allele frequency attached by ClinVar (database versions not stated): gnomAD exomes below 0.00001.
gnomAD v4.1: 2 of 1,614,014 alleles (0.00012%); highest among the groups gnomAD compares: Non-Finnish European, 0.00017%; no homozygotes.

Submissions (2):

Fulgent Genetics
Classification: Likely pathogenic for Laryngo-onycho-cutaneous syndrome; Epidermolysis bullosa, junctional 2A, intermediate; Epidermolysis bullosa, junctional 2B, severe. Last evaluated: 2024-01-29. Review status: criteria provided, single submitter. Criteria: ACMG Guidelines, 2015. Collection method: clinical testing. Allele origin: germline.

Labcorp Genetics (formerly Invitae), Labcorp
Classification: Pathogenic. Last evaluated: 2023-12-09. Review status: criteria provided, single submitter. Criteria: Invitae Variant Classification Sherloc (09022015). Collection method: clinical testing. Allele origin: germline.
Comment: This sequence change creates a premature translational stop signal (p.Leu1198*) in the LAMA3 gene. It is expected to result in an absent or disrupted protein product. Loss-of-function variants in LAMA3 are known to be pathogenic (PMID: 10366601, 11810295, 12915477, 16473856, 17362460, 22434185, 23869449, 27827380, 28087116). This variant is not present in population databases (gnomAD no frequency). This variant has not been reported in the literature in individuals affected with LAMA3-related conditions. For these reasons, this variant has been classified as Pathogenic.

Literature cited by the submitters: PubMed 10366601 (cited by Labcorp Genetics (formerly Invitae), Labcorp); PubMed 11810295 (cited by Labcorp Genetics (formerly Invitae), Labcorp); PubMed 12915477 (cited by Labcorp Genetics (formerly Invitae), Labcorp); PubMed 16473856 (cited by Labcorp Genetics (formerly Invitae), Labcorp); PubMed 17362460 (cited by Labcorp Genetics (formerly Invitae), Labcorp); PubMed 22434185 (cited by Labcorp Genetics (formerly Invitae), Labcorp); PubMed 23869449 (cited by Labcorp Genetics (formerly Invitae), Labcorp); PubMed 27827380 (cited by Labcorp Genetics (formerly Invitae), Labcorp); PubMed 28087116 (cited by Labcorp Genetics (formerly Invitae), Labcorp).